The following is an entry in ClinVar:

NM_006231.4(POLE):c.1066C>G (p.Pro356Ala)

Gene: POLE (DNA polymerase epsilon, catalytic subunit; minus strand). Cytogenetic location: 12q24.33.
Variant type: single nucleotide variant.
Coding change: c.1066C>G on transcript NM_006231.4 (MANE Select); coding-DNA position 1066, C replaced by G.
Protein change: p.Pro356Ala; replaces proline 356 with alanine.
Molecular consequence: missense variant.
Genome position (GRCh38, 1-based): chr12:132,675,775, G>C on the plus strand (C>G on the coding strand, the complement: POLE is on the minus strand). VCF-style: chr12-132675775-G-C. GRCh37 (hg19) VCF-style: chr12-133252361-G-C.
Other names: c.1066C>G (NM_006231.2); short protein forms P356A.
Identifiers: ClinVar variation 1719039 (VCV001719039.6), dbSNP rs1555229220, ClinGen allele CA387361512.

ClinVar aggregate classification (germline): Uncertain significance. Review status: criteria provided, multiple submitters, no conflicts (2 of 4 stars). 2 submissions from 2 submitters: Uncertain significance (2). Last evaluated 2024-03-06.

Conditions:
Hereditary cancer-predisposing syndrome. Also called: Hereditary neoplastic syndrome; Neoplastic Syndromes, Hereditary; Hereditary Cancer Syndrome; Tumor predisposition. Identifiers: Orphanet 140162, MedGen C0027672, MeSH D009386, MONDO:0015356.

Submissions (2):

Ambry Genetics
Classification: Uncertain significance for Hereditary cancer-predisposing syndrome. Last evaluated: 2024-03-06. Review status: criteria provided, single submitter. Criteria: Ambry Variant Classification Scheme 2023. Collection method: clinical testing. Allele origin: germline.
Comment: The p.P356A variant (also known as c.1066C>G), located in coding exon 11 of the POLE gene, results from a C to G substitution at nucleotide position 1066. The proline at codon 356 is replaced by alanine, an amino acid with highly similar properties. This amino acid position is conserved. In addition, this alteration is predicted to be deleterious by in silico analysis. Based on the available evidence, the clinical significance of this alteration remains unclear.

Labcorp Genetics (formerly Invitae), Labcorp
Classification: Uncertain significance. Last evaluated: 2022-09-07. Review status: criteria provided, single submitter. Criteria: Invitae Variant Classification Sherloc (09022015). Collection method: clinical testing. Allele origin: germline.
Comment: This sequence change replaces proline, which is neutral and non-polar, with alanine, which is neutral and non-polar, at codon 356 of the POLE protein (p.Pro356Ala). This variant is not present in population databases (gnomAD no frequency). This variant has not been reported in the literature in individuals affected with POLE-related conditions. Algorithms developed to predict the effect of missense changes on protein structure and function are either unavailable or do not agree on the potential impact of this missense change (SIFT: "Deleterious"; PolyPhen-2: "Probably Damaging"; Align-GVGD: "Class C0"). In summary, the available evidence is currently insufficient to determine the role of this variant in disease. Therefore, it has been classified as a Variant of Uncertain Significance.